The following is an entry in ClinVar:

NM_001042492.3(NF1):c.7034_7035dup (p.Asp2346Ter)

Gene: NF1 (neurofibromin 1; plus strand). Cytogenetic location: 17q11.2.
Variant type: Duplication.
Coding change: c.7034_7035dup on transcript NM_001042492.3 (MANE Select); coding-DNA positions 7034 to 7035, 2 bases duplicated (TA; older notation c.7034_7035dupTA).
Protein change: p.Asp2346Ter; replaces aspartic acid 2346 with a stop codon.
Molecular consequence: nonsense. On other transcripts: frameshift variant (1).
Genome position (GRCh38, 1-based): chr17:31,340,617-31,340,618, TA duplicated. VCF-style (leftmost placement, unchanged base first): chr17-31340616-T-TTA. GRCh37 (hg19) VCF-style: chr17-29667634-T-TTA.
Other names: c.6971_6972dupTA (NM_000267.3); c.6971_6972dup, p.Asp2325Ter (NM_000267.4); short protein forms D2325*, D2346*.
Identifiers: ClinVar variation 4119046 (VCV004119046.2).

ClinVar aggregate classification (germline): Pathogenic. Review status: criteria provided, multiple submitters, no conflicts (2 of 4 stars). 2 submissions from 2 submitters: Pathogenic (2). Last evaluated 2025-10-18.

Conditions:
Neurofibromatosis, type 1 (NF1). Also called: NEUROFIBROMATOSIS, TYPE I, SOMATIC; Peripheral type neurofibromatosis; Neurofibromatosis, type I; VON RECKLINGHAUSEN DISEASE. Identifiers: Orphanet 636, MedGen C0027831, MONDO:0018975, OMIM 162200. Disease mechanism: loss of function.
Hereditary cancer-predisposing syndrome. Also called: Neoplastic Syndromes, Hereditary; Tumor predisposition; Hereditary Cancer Syndrome; Hereditary neoplastic syndrome. Identifiers: Orphanet 140162, MedGen C0027672, MeSH D009386, MONDO:0015356.
Cardiovascular phenotype. Identifiers: MedGen CN230736.

Submissions (2):

Labcorp Genetics (formerly Invitae), Labcorp
Classification: Pathogenic for Neurofibromatosis, type 1. Last evaluated: 2025-10-18. Review status: criteria provided, single submitter. Criteria: Invitae Variant Classification Sherloc (09022015). Collection method: clinical testing. Allele origin: germline.
Comment: This sequence change creates a premature translational stop signal (p.Asp2325*) in the NF1 gene. It is expected to result in an absent or disrupted protein product. Loss-of-function variants in NF1 are known to be pathogenic (PMID: 10712197, 23913538). This variant is not present in population databases (gnomAD no frequency). This variant has not been reported in the literature in individuals affected with NF1-related conditions. Algorithms developed to predict the effect of sequence changes on RNA splicing suggest that this variant may disrupt the consensus splice site. For these reasons, this variant has been classified as Pathogenic.

Ambry Genetics
Classification: Pathogenic for Cardiovascular phenotype; Hereditary cancer-predisposing syndrome. Last evaluated: 2025-06-16. Review status: criteria provided, single submitter. Criteria: Ambry Variant Classification Scheme 2023. Collection method: clinical testing. Allele origin: germline.
Comment: The c.6971_6972dupTA pathogenic mutation, located in coding exon 46 of the NF1 gene, results from a duplication of TA at nucleotide position 6971, causing a translational frameshift with a predicted alternate stop codon (p.D2325*). This variant is considered to be rare based on population cohorts in the Genome Aggregation Database (gnomAD). This alteration is expected to result in loss of function by premature protein truncation or nonsense-mediated mRNA decay. As such, this alteration is interpreted as a disease-causing mutation.

Literature cited by the submitters: PubMed 10712197 (cited by Labcorp Genetics (formerly Invitae), Labcorp); PubMed 23913538 (cited by Labcorp Genetics (formerly Invitae), Labcorp).